The following is an entry in ClinVar:

NM_007294.4(BRCA1):c.4931A>T (p.Glu1644Val)

Gene: BRCA1 (BRCA1 DNA repair associated; minus strand). Cytogenetic location: 17q21.31.
Variant type: single nucleotide variant.
Coding change: c.4931A>T on transcript NM_007294.4 (MANE Select); coding-DNA position 4931, A replaced by T.
Protein change: p.Glu1644Val; replaces glutamic acid 1644 with valine.
Molecular consequence: missense variant. On other transcripts: non-coding transcript variant (1).
Genome position (GRCh38, 1-based): chr17:43,070,983, T>A on the plus strand (A>T on the coding strand, the complement: BRCA1 is on the minus strand). VCF-style: chr17-43070983-T-A. GRCh37 (hg19) VCF-style: chr17-41223000-T-A.
Other names: c.1493A>T, p.Glu498Val (NM_001408447.1, NM_001408448.1, NM_001408450.1 and 2 more transcripts); c.1487A>T, p.Glu496Val (NM_001408451.1); c.1481A>T, p.Glu494Val (NM_001408452.1, NM_001408453.1, NM_001408454.1 and 3 more transcripts); c.1478A>T, p.Glu493Val (NM_001408463.1, NM_001408464.1, NM_001408465.1 and 7 more transcripts); c.1475A>T, p.Glu492Val (NM_001408468.1, NM_001408469.1, NM_001408470.1); c.1619A>T, p.Glu540Val (NM_001408472.1, NM_007298.4, NM_007299.4 and 13 more transcripts); c.1409A>T, p.Glu470Val (NM_001408484.1, NM_001408485.1, NM_001408489.1 and 5 more transcripts); c.1406A>T, p.Glu469Val (NM_001408492.1, NM_001408493.1); and 70 more; short protein forms E1597V, E1665V, E540V, E1644V, E1515V, E1517V, E1573V, E1577V.
Identifiers: ClinVar variation 865699 (VCV000865699.3), dbSNP rs80357016, ClinGen allele CA10591660.
Genomic context (GRCh38, chr17:43,070,983, plus strand): 5'-CTCACAAATTCTTCTGGGGTCAGGCCAGACACCACCATGGACATTCTTTTGTTGACCCTT[T>A]CTGTTGAAGCTGTCAATTCTGGCTTCTCCCTGCTCACACTTTCTTCCATTGCATTATACC-3'
Protein context (NP_009225.1, residues 1634-1654): REKPELTAST[Glu1644Val]RVNKRMSMVV

Conditions:
Breast-ovarian cancer, familial, susceptibility to, 1 (BROVCA1). Also called: BRCA1 Hereditary Breast and Ovarian Cancer; OVARIAN CANCER, SUSCEPTIBILITY TO. Identifiers: Orphanet 145, MedGen C2676676, MONDO:0011450, OMIM 604370. Disease mechanism: loss of function.

Submission:

Brotman Baty Institute, University of Washington
No classification provided (evidence only). Condition: Breast-ovarian cancer, familial 1. Review status: no classification provided. Collection method: in vitro. Allele origin: not applicable. Functional consequence: functionally_normal.
ClinVar note: "not provided" was previously submitted as the classification for the variant. However, the classification appeared to be based only on an observation of functional data so it was converted to no classification on 2025-07-30.